The following is an entry in ClinVar:

ClinVar aggregate classification (germline): Conflicting classifications of pathogenicity. Review status: criteria provided, conflicting classifications (1 of 4 stars). 5 submissions from 5 submitters: Uncertain significance (3); Likely benign (2). Last evaluated 2026-05-22.

Conditions:
Congenital hypothyroidism. Identifiers: Orphanet 442, MedGen C0010308, MONDO:0018612, HP:0000851.
Thyroid dyshormonogenesis 6 (TDH6). Also called: THYROID HORMONOGENESIS, GENETIC DEFECT IN, 6; HYPOTHYROIDISM, CONGENITAL, DUE TO DYSHORMONOGENESIS, 6; Genetic transient congenital hypothyroidism. Identifiers: Orphanet 226316, Orphanet 95716, MedGen C1846632, MONDO:0011792, OMIM 607200.

Allele frequency attached by ClinVar (database versions not stated): gnomAD exomes 0.00014 and 0.00059; ESP Exome Variant Server 0.00023; gnomAD 0.00037 and 0.00031; 1000 Genomes Project 30x 0.00094; 1000 Genomes Project 0.00100; TOPMed 0.00051; ExAC 0.00054.

Submissions (5):

Women's Health and Genetics/Laboratory Corporation of America, LabCorp
Classification: Likely benign. Last evaluated: 2026-05-22. Review status: criteria provided, single submitter. Criteria: LabCorp Variant Classification Summary - May 2015. Collection method: clinical testing. Allele origin: germline.
Comment: Variant summary: DUOX2 c.4027C>T (p.Leu1343Phe) results in a non-conservative amino acid change in the encoded protein sequence. Algorithms developed to predict the effect of missense changes on protein structure and function all suggest that this variant is likely to be disruptive. The variant allele was found at a frequency of 0.00059 in 251408 control chromosomes, predominantly at a frequency of 0.0075 within the East Asian subpopulation in the gnomAD database. The observed variant frequency within East Asian control individuals in the gnomAD database exceeds the estimated maximal expected allele frequency for disease-causing variants in DUOX2. c.4027C>T has been observed in individual(s) affected with DUOX2-related conditions, however, most affected individuals harbored additional variants (e.g. Satoh_2015, Jiang_2016). These report(s) do not provide unequivocal conclusions about association of the variant with disease. To our knowledge, no experimental evidence demonstrating an impact on protein function has been reported. The following publications have been ascertained in the context of this evaluation (PMID: 25928756, 27498126). ClinVar contains an entry for this variant (Variation ID: 886867). Based on the evidence outlined above, the variant was classified as likely benign.

Labcorp Genetics (formerly Invitae), Labcorp
Classification: Likely benign. Last evaluated: 2026-02-04. Review status: criteria provided, single submitter. Criteria: Invitae Variant Classification Sherloc (09022015). Collection method: clinical testing. Allele origin: germline.

Cambridge Genomics Laboratory, East Genomic Laboratory Hub, NHS Genomic Medicine Service
Classification: Uncertain significance for Congenital hypothyroidism. Last evaluated: 2025-02-27. Review status: criteria provided, single submitter. Criteria: ACGS Best Practice Guidelines for Variant Classification in Rare Disease 2020. Collection method: clinical testing. Allele origin: germline. Affected: yes.

GeneDx
Classification: Uncertain significance. Last evaluated: 2023-06-22. Review status: criteria provided, single submitter. Criteria: GeneDx Variant Classification Process June 2021. Collection method: clinical testing. Allele origin: germline. Affected: yes.
Comment: Reported in the heterozygous state in individuals with congenital hypothyroidism (CH) or thyroid dyshormonogenesis (DH), however many affected individuals harbored one or more additional variants in DUOX2 and/or other CH- or DH-associated genes, making it difficult to determine the pathogenicity of this variant (Fu et al., 2015; Fu et al., 2016; Fan et al., 2017; Chen et al., 2018; Jiang et al., 2016; Peters et al., 2019; Maruo et al., 2016); In silico analysis supports that this missense variant has a deleterious effect on protein structure/function; This variant is associated with the following publications: (PMID: 25928756, 29146476, 31356790, 27173810, 26349762, 27108200, 28215547, 30022773, 30154845, 27498126, 31044655, 29779043, 30420871, 26742565, 32425884, 33628596, 33631011, 32459320, 33651715, 34545167, 33310921, 33490161, 34456971, 34539567, 36555929, 34767783)

Illumina Laboratory Services, Illumina
Classification: Uncertain significance for Thyroid dyshormonogenesis 6. Last evaluated: 2017-04-27. Review status: criteria provided, single submitter. Criteria: ICSL Variant Classification Criteria 13 December 2019. Collection method: clinical testing. Allele origin: germline.
Comment: This variant was observed as part of a predisposition screen in an ostensibly healthy population. A literature search was performed for the gene, cDNA change, and amino acid change (where applicable). Publications were found based on this search. However, the evidence from the literature, in combination with allele frequency data from public databases where available, was not sufficient to rule this variant in or out of causing disease. Therefore, this variant is classified as a variant of unknown significance.

Literature cited by the submitters: PubMed 27498126 (cited by Women's Health and Genetics/Laboratory Corporation of America, LabCorp); PubMed 25928756 (cited by Women's Health and Genetics/Laboratory Corporation of America, LabCorp and Illumina Laboratory Services, Illumina).

NM_001363711.2(DUOX2):c.4027C>T (p.Leu1343Phe)

Gene: DUOX2 (dual oxidase 2; minus strand). Cytogenetic location: 15q21.1.
Variant type: single nucleotide variant.
Coding change: c.4027C>T on transcript NM_001363711.2 (MANE Select); coding-DNA position 4027, C replaced by T.
Protein change: p.Leu1343Phe; replaces leucine 1343 with phenylalanine.
Molecular consequence: missense variant.
Genome position (GRCh38, 1-based): chr15:45,095,881, G>A on the plus strand (C>T on the coding strand, the complement: DUOX2 is on the minus strand). VCF-style: chr15-45095881-G-A. GRCh37 (hg19) VCF-style: chr15-45388079-G-A.
Other names: c.4027C>T, p.Leu1343Phe (NM_014080.5); short protein forms L1343F.
Identifiers: ClinVar variation 886867 (VCV000886867.14), dbSNP rs147945181, ClinGen allele CA7537664.